The following is an entry in ClinVar:

ClinVar aggregate classification (germline): Uncertain significance (1 of 4 stars; one submission).

gnomAD v4.1: 2 of 1,613,772 alleles (0.00012%); highest among the groups gnomAD compares: South Asian, 0.0011%; no homozygotes.

Submission:

Labcorp Genetics (formerly Invitae), Labcorp
Classification: Uncertain significance. Last evaluated: 2025-02-10. Review status: criteria provided, single submitter. Criteria: Invitae Variant Classification Sherloc (09022015). Collection method: clinical testing. Allele origin: germline.
Comment: This sequence change replaces threonine, which is neutral and polar, with isoleucine, which is neutral and non-polar, at codon 178 of the NLRP1 protein (p.Thr178Ile). This variant is present in population databases (no rsID available, gnomAD 0.0009%). This variant has not been reported in the literature in individuals affected with NLRP1-related conditions. An algorithm developed to predict the effect of missense changes on protein structure and function outputs the following: PolyPhen-2: "Benign". The isoleucine amino acid residue is found in multiple mammalian species, which suggests that this missense change does not adversely affect protein function. In summary, the available evidence is currently insufficient to determine the role of this variant in disease. Therefore, it has been classified as a Variant of Uncertain Significance.

NM_033004.4(NLRP1):c.533C>T (p.Thr178Ile)

Gene: NLRP1 (NLR family pyrin domain containing 1; minus strand). Cytogenetic location: 17p13.2.
Variant type: single nucleotide variant.
Coding change: c.533C>T on transcript NM_033004.4 (MANE Select); coding-DNA position 533, C replaced by T.
Protein change: p.Thr178Ile; replaces threonine 178 with isoleucine.
Molecular consequence: missense variant.
Genome position (GRCh38, 1-based): chr17:5,581,978, G>A on the plus strand (C>T on the coding strand, the complement: NLRP1 is on the minus strand). VCF-style: chr17-5581978-G-A. GRCh37 (hg19) VCF-style: chr17-5485298-G-A.
Other names: c.533C>T, p.Thr178Ile (NM_001033053.3, NM_014922.5, NM_033006.4 and 1 more transcripts); short protein forms T178I.
Identifiers: ClinVar variation 4779231 (VCV004779231.1).